The following is an entry in ClinVar:

ClinVar aggregate classification (germline): Uncertain significance (1 of 4 stars; one submission).

Conditions:
Nemaline myopathy 6 (NEM6). Also called: Nemaline myopathy 6, autosomal dominant. Identifiers: Orphanet 171439, MedGen C1836472, MONDO:0012237, OMIM 609273.

Submission:

Labcorp Genetics (formerly Invitae), Labcorp
Classification: Uncertain significance for Nemaline myopathy 6. Last evaluated: 2023-10-07. Review status: criteria provided, single submitter. Criteria: Invitae Variant Classification Sherloc (09022015). Collection method: clinical testing. Allele origin: germline.
Comment: This sequence change replaces serine, which is neutral and polar, with cysteine, which is neutral and slightly polar, at codon 38 of the KBTBD13 protein (p.Ser38Cys). This variant is not present in population databases (gnomAD no frequency). This variant has not been reported in the literature in individuals affected with KBTBD13-related conditions. Advanced modeling of protein sequence and biophysical properties (such as structural, functional, and spatial information, amino acid conservation, physicochemical variation, residue mobility, and thermodynamic stability) performed at Invitae indicates that this missense variant is not expected to disrupt KBTBD13 protein function. In summary, the available evidence is currently insufficient to determine the role of this variant in disease. Therefore, it has been classified as a Variant of Uncertain Significance.

NM_001101362.3(KBTBD13):c.113C>G (p.Ser38Cys)

Gene: KBTBD13 (kelch repeat and BTB domain containing 13; plus strand). Cytogenetic location: 15q22.31.
Variant type: single nucleotide variant.
Coding change: c.113C>G on transcript NM_001101362.3 (MANE Select); coding-DNA position 113, C replaced by G.
Protein change: p.Ser38Cys; replaces serine 38 with cysteine.
Molecular consequence: missense variant.
Genome position (GRCh38, 1-based): chr15:65,076,928, C>G. VCF-style: chr15-65076928-C-G. GRCh37 (hg19) VCF-style: chr15-65369266-C-G.
Other names: short protein forms S38C.
Identifiers: ClinVar variation 2808990 (VCV002808990.3), dbSNP rs1249994535, ClinGen allele CA392856479.